The following is an entry in ClinVar:

ClinVar aggregate classification (germline): Benign. Review status: criteria provided, multiple submitters, no conflicts (2 of 4 stars). 15 submissions from 11 submitters: Benign (13). 2 of the submissions do not count toward it. Last evaluated 2026-05-09.

Conditions:
Craniosynostosis syndrome. Also called: Craniosynostosis. Identifiers: Orphanet 1531, MedGen C0010278, MeSH D003398, MONDO:0015469, HP:0001363.
Saethre-Chotzen syndrome (SCS). Also called: ACROCEPHALY, SKULL ASYMMETRY, AND MILD SYNDACTYLY; ACS III; CHOTZEN SYNDROME. Identifiers: Orphanet 794, MedGen C0175699, MONDO:0007042, OMIM 101400.
Isolated Coronal Synostosis. Identifiers: MedGen CN043619.
Crouzon syndrome. Also called: CRANIOFACIAL DYSOSTOSIS, TYPE I; Craniofacial dysostosis type 1; Crouzon craniofacial dysostosis; Crouzon disease; Craniofacial dysostosis. Identifiers: Orphanet 207, MedGen C0010273, MeSH D003394, MONDO:0007405, OMIM 123500, HP:0004439.
Beare-Stevenson cutis gyrata syndrome (BSTVS). Identifiers: Orphanet 1555, MedGen C1852406, MONDO:0007412, OMIM 123790.
FGFR2-related craniosynostosis. Identifiers: MedGen CN231480.

Allele frequency attached by ClinVar (database versions not stated): gnomAD exomes 0.00229 and 0.00604; ExAC 0.00731; gnomAD 0.02100 and 0.02240; TOPMed 0.02379; ESP Exome Variant Server 0.02576; 1000 Genomes Project 0.02835; 1000 Genomes Project 30x 0.02842.
gnomAD v4.1: 6,706 of 1,614,002 alleles (0.42%); highest among the groups gnomAD compares: African/African-American, 7.1%; 242 homozygotes.

Submissions (15):

Women's Health and Genetics/Laboratory Corporation of America, LabCorp
Classification: Benign. Last evaluated: 2026-05-09. Review status: criteria provided, single submitter. Criteria: LabCorp Variant Classification Summary - May 2015. Collection method: clinical testing. Allele origin: germline.

Labcorp Genetics (formerly Invitae), Labcorp
Classification: Benign for FGFR2-related craniosynostosis. Last evaluated: 2026-02-01. Review status: criteria provided, single submitter. Criteria: Invitae Variant Classification Sherloc (09022015). Collection method: clinical testing. Allele origin: germline.

ARUP Laboratories, Molecular Genetics and Genomics, ARUP Laboratories
Classification: Benign. Last evaluated: 2025-06-11. Review status: criteria provided, single submitter. Criteria: ARUP Molecular Germline Variant Investigation Process 2024. Collection method: clinical testing. Allele origin: germline.

CeGaT Center for Human Genetics Tuebingen
Classification: Benign. Last evaluated: 2025-06-01. Review status: criteria provided, single submitter. Criteria: CeGaT Center For Human Genetics Tuebingen Variant Classification Criteria Version 2. Collection method: clinical testing. Allele origin: germline. Affected: yes. Observed: 1 variant allele.
Comment: FGFR2: BP4, BP7, BS1, BS2

Mayo Clinic Laboratories, Mayo Clinic
Classification: Benign. Last evaluated: 2023-04-03. Review status: criteria provided, single submitter. Criteria: ACMG Guidelines, 2015. Collection method: clinical testing. Allele origin: germline. Observed: 5 variant alleles.

Illumina Laboratory Services, Illumina
Classification: Benign for Crouzon syndrome. Last evaluated: 2018-01-13. Review status: criteria provided, single submitter. Criteria: ICSL Variant Classification Criteria 13 December 2019. Collection method: clinical testing. Allele origin: germline.
Comment: This variant was observed in the ICSL laboratory as part of a predisposition screen in an ostensibly healthy population. It had not been previously curated by ICSL or reported in the Human Gene Mutation Database (HGMD: prior to June 1st, 2018), and was therefore a candidate for classification through an automated scoring system. Utilizing variant allele frequency, disease prevalence and penetrance estimates, and inheritance mode, an automated score was calculated to assess if this variant is too frequent to cause the disease. Based on the score and internal cut-off values, a variant classified as benign is not then subjected to further curation. The score for this variant resulted in a classification of benign for this disease.

Illumina Laboratory Services, Illumina
Classification: Benign for Saethre-Chotzen syndrome. Last evaluated: 2018-01-13. Review status: criteria provided, single submitter. Criteria: ICSL Variant Classification Criteria 13 December 2019. Collection method: clinical testing. Allele origin: germline.
Comment: the same text as in the submission from Illumina Laboratory Services, Illumina above.

Illumina Laboratory Services, Illumina
Classification: Benign for Isolated coronal synostosis. Last evaluated: 2018-01-13. Review status: criteria provided, single submitter. Criteria: ICSL Variant Classification Criteria 13 December 2019. Collection method: clinical testing. Allele origin: germline.
Comment: the same text as in the submission from Illumina Laboratory Services, Illumina above.

Illumina Laboratory Services, Illumina
Classification: Benign for Craniosynostosis. Last evaluated: 2018-01-13. Review status: criteria provided, single submitter. Criteria: ICSL Variant Classification Criteria 13 December 2019. Collection method: clinical testing. Allele origin: germline.
Comment: the same text as in the submission from Illumina Laboratory Services, Illumina above.

Illumina Laboratory Services, Illumina
Classification: Benign for Beare-Stevenson cutis gyrata syndrome. Last evaluated: 2018-01-13. Review status: criteria provided, single submitter. Criteria: ICSL Variant Classification Criteria 13 December 2019. Collection method: clinical testing. Allele origin: germline.
Comment: the same text as in the submission from Illumina Laboratory Services, Illumina above.

GeneDx
Classification: Benign. Last evaluated: 2016-06-06. Review status: criteria provided, single submitter. Criteria: GeneDx Variant Classification (06012015). Collection method: clinical testing. Allele origin: germline. Affected: yes.
Comment: This variant is considered likely benign or benign based on one or more of the following criteria: it is a conservative change, it occurs at a poorly conserved position in the protein, it is predicted to be benign by multiple in silico algorithms, and/or has population frequency not consistent with disease.

Breakthrough Genomics
Classification: Benign. Review status: criteria provided, single submitter. Criteria: ACMG Guidelines, 2015. Collection method: not provided. Allele origin: germline. Inheritance: Autosomal dominant inheritance. Affected: yes.

PreventionGenetics, part of Exact Sciences
Classification: Benign. Review status: criteria provided, single submitter. Criteria: ACMG Guidelines, 2015. Collection method: clinical testing. Allele origin: germline.

Clinical Genetics DNA and cytogenetics Diagnostics Lab, Erasmus MC, Erasmus Medical Center
Classification: Benign. Review status: no assertion criteria provided. Collection method: clinical testing. Allele origin: germline. Affected: yes. Study: VKGL Data-share Consensus. Not counted in ClinVar's aggregate classification.

Genome Diagnostics Laboratory, Amsterdam University Medical Center
Classification: Benign. Review status: no assertion criteria provided. Collection method: clinical testing. Allele origin: germline. Affected: yes. Study: VKGL Data-share Consensus. Not counted in ClinVar's aggregate classification.

NM_000141.5(FGFR2):c.1941C>T (p.Leu647=)

Gene: FGFR2 (fibroblast growth factor receptor 2; minus strand). Cytogenetic location: 10q26.13.
Variant type: single nucleotide variant.
Coding change: c.1941C>T on transcript NM_000141.5 (MANE Select); coding-DNA position 1941, C replaced by T.
Protein change: p.Leu647=; no amino-acid change (leucine 647 retained).
Molecular consequence: synonymous variant. On other transcripts: non-coding transcript variant (1).
Genome position (GRCh38, 1-based): chr10:121,488,036, G>A on the plus strand (C>T on the coding strand, the complement: FGFR2 is on the minus strand). VCF-style: chr10-121488036-G-A. GRCh37 (hg19) VCF-style: chr10-123247550-G-A.
Other names: p.Leu647=; c.1590C>T, p.Leu530= (NM_001144918.2); c.1677C>T, p.Leu559= (NM_001144919.2); c.1257C>T, p.Leu419= (NM_001320654.2); c.1935C>T, p.Leu645= (NM_001320658.2); c.1944C>T, p.Leu648= (NM_022970.4, NM_001144913.1); c.1674C>T, p.Leu558= (NM_023029.3, NM_001144915.2); c.1593C>T, p.Leu531= (NM_001144917.2); and 2 more.
Identifiers: ClinVar variation 255316 (VCV000255316.42), dbSNP rs35337478, ClinGen allele CA5720607.